The following is an entry in ClinVar:

NM_006642.5(SDCCAG8):c.722C>T (p.Ser241Phe)

Gene: SDCCAG8 (SHH signaling and ciliogenesis regulator SDCCAG8; plus strand). Cytogenetic location: 1q43.
Variant type: single nucleotide variant.
Coding change: c.722C>T on transcript NM_006642.5 (MANE Select); coding-DNA position 722, C replaced by T.
Protein change: p.Ser241Phe; replaces serine 241 with phenylalanine.
Molecular consequence: missense variant. On other transcripts: 5 prime UTR variant (3).
Genome position (GRCh38, 1-based): chr1:243,304,759, C>T. VCF-style: chr1-243304759-C-T. GRCh37 (hg19) VCF-style: chr1-243468061-C-T.
Other names: c.-391C>T (NM_001350246.2); c.-279C>T (NM_001350247.2); c.818C>T, p.Ser273Phe (NM_001350248.2); c.428C>T, p.Ser143Phe (NM_001350249.2); c.-556C>T (NM_001350251.2); short protein forms S143F, S241F, S273F.
Identifiers: ClinVar variation 3355752 (VCV003355752.1).
Genomic context (GRCh38, chr1:243,304,759, plus strand): 5'-TTTCTTTTCTATAGGAGAAGCTAAAACTTACTTATGAGGAAAAGTGTGAAATTGAGGAAT[C>T]CCAATTGAAGTTTTTGAGGTAAAGTGAAATCGTCCATTTATAGTCATACCAAAAGCATAA-3'
Protein context (NP_006633.1, residues 231-251): TYEEKCEIEE[Ser241Phe]QLKFLRNDLA

ClinVar aggregate classification (germline): Uncertain significance (0 of 4 stars; one submission).

Conditions:
SDCCAG8-related disorder. Also called: SDCCAG8-Related Disorders; SDCCAG8-related condition.

Submission:

PreventionGenetics, part of Exact Sciences
Classification: Uncertain significance for SDCCAG8-related condition. Last evaluated: 2024-04-29. Review status: no assertion criteria provided. Collection method: clinical testing. Allele origin: germline.
Comment: The SDCCAG8 c.722C>T variant is predicted to result in the amino acid substitution p.Ser241Phe. To our knowledge, this variant has not been reported in the literature. This variant is reported in 0.012% of alleles in individuals of African descent in gnomAD. At this time, the clinical significance of this variant is uncertain due to the absence of conclusive functional and genetic evidence.